The following is an entry in ClinVar:

NM_024649.5(BBS1):c.723+2T>G

Gene: BBS1 (Bardet-Biedl syndrome 1; plus strand). Cytogenetic location: 11q13.2.
Variant type: single nucleotide variant.
Coding change: c.723+2T>G on transcript NM_024649.5 (MANE Select); the canonical splice donor site of the intron after coding-DNA position 723, T replaced by G.
Molecular consequence: splice donor variant.
Genome position (GRCh38, 1-based): chr11:66,519,750, T>G. VCF-style: chr11-66519750-T-G. GRCh37 (hg19) VCF-style: chr11-66287221-T-G.
Identifiers: ClinVar variation 2098720 (VCV002098720.7), dbSNP rs2495752994, ClinGen allele CA381459064.

ClinVar aggregate classification (germline): Pathogenic/Likely pathogenic. Review status: criteria provided, multiple submitters, no conflicts (2 of 4 stars). 2 submissions from 2 submitters: Pathogenic (1); Likely pathogenic (1). Last evaluated 2026-01-22.

Conditions:
Bardet-Biedl syndrome (BBS). Identifiers: Orphanet 110, MedGen C0752166, MONDO:0015229.
Bardet-Biedl syndrome 1 (BBS1). Identifiers: MedGen C2936862, MONDO:0008854, OMIM 209900. Disease mechanism: loss of function.

Submissions (2):

Myriad Genetics, Inc.
Classification: Likely pathogenic for Bardet-Biedl syndrome 1. Last evaluated: 2026-01-22. Review status: criteria provided, single submitter. Criteria: Myriad Autosomal Dominant, Autosomal Recessive and X-Linked Classification Criteria (2023). Collection method: clinical testing. Allele origin: unknown.
Comment: NM_024649.4(BBS1):c.723+2T>G is a variant in a canonical splice site classified as likely pathogenic in the context of Bardet-Biedl syndrome, BBS1-related. c.723+2T>G has been observed in a case with relevant disease (PMID: 31997113). Relevant functional assessments of this variant are not available in the literature. c.723+2T>G has not been observed in referenced population frequency databases. In summary, NM_024649.4(BBS1):c.723+2T>G is a variant in a canonical splice site that has internal structural support for pathogenicity and has been observed more frequently in cases with the relevant disease than in healthy populations. Please note: this variant was assessed in the context of healthy population screening.

Labcorp Genetics (formerly Invitae), Labcorp
Classification: Pathogenic for Bardet-Biedl syndrome. Last evaluated: 2025-09-02. Review status: criteria provided, single submitter. Criteria: Invitae Variant Classification Sherloc (09022015). Collection method: clinical testing. Allele origin: germline.
Comment: This sequence change affects a donor splice site in intron 8 of the BBS1 gene. RNA analysis indicates that disruption of this splice site induces altered splicing and likely results in a shortened protein product. This variant is not present in population databases (gnomAD no frequency). Disruption of this splice site has been observed in individual(s) with Bardet-Biedl syndrome (PMID: 31997113). In at least one individual the data is consistent with being in trans (on the opposite chromosome) from a pathogenic variant. ClinVar contains an entry for this variant (Variation ID: 2098720). Studies have shown that disruption of this splice site results in skipping of exon 8, but is expected to preserve the integrity of the reading-frame (PMID: 31997113). For these reasons, this variant has been classified as Pathogenic.

Literature cited by the submitters: PubMed 31997113 (cited by Myriad Genetics, Inc. and Labcorp Genetics (formerly Invitae), Labcorp).